The following is an entry in ClinVar:

ClinVar aggregate classification (germline): Uncertain significance. Review status: criteria provided, multiple submitters, no conflicts (2 of 4 stars). 2 submissions from 2 submitters: Uncertain significance (2). Last evaluated 2022-06-25.

Conditions:
Nemaline myopathy 2 (NEM2). Also called: Nemaline myopathy 2, autosomal recessive. Identifiers: MedGen C1850569, MONDO:0009725, OMIM 256030.

Allele frequency attached by ClinVar (database versions not stated): gnomAD exomes 0.00001; gnomAD 0.00003; TOPMed 0.00003.
gnomAD v4.1: 13 of 1,551,472 alleles (0.00084%); highest among the groups gnomAD compares: Middle Eastern, 0.017%; no homozygotes.

Submissions (2):

GeneDx
Classification: Uncertain significance. Last evaluated: 2022-06-25. Review status: criteria provided, single submitter. Criteria: GeneDx Variant Classification Process June 2021. Collection method: clinical testing. Allele origin: germline. Affected: yes.
Comment: Not observed at significant frequency in large population cohorts (gnomAD); In silico analysis supports that this missense variant does not alter protein structure/function; Has not been previously published as pathogenic or benign to our knowledge

Labcorp Genetics (formerly Invitae), Labcorp
Classification: Uncertain significance for Nemaline myopathy 2. Last evaluated: 2021-09-01. Review status: criteria provided, single submitter. Criteria: Invitae Variant Classification Sherloc (09022015). Collection method: clinical testing. Allele origin: germline.
Comment: This sequence change replaces asparagine with histidine at codon 7155 of the NEB protein (p.Asn7155His). The asparagine residue is weakly conserved and there is a small physicochemical difference between asparagine and histidine. This variant is not present in population databases (ExAC no frequency). This variant has not been reported in the literature in individuals affected with NEB-related conditions. Algorithms developed to predict the effect of missense changes on protein structure and function are either unavailable or do not agree on the potential impact of this missense change (SIFT: "Deleterious"; PolyPhen-2: "Not Available"; Align-GVGD: "Class C0"). In summary, the available evidence is currently insufficient to determine the role of this variant in disease. Therefore, it has been classified as a Variant of Uncertain Significance.

NM_001164508.2(NEB):c.21358A>C (p.Asn7120His)

Genes: NEB (nebulin; minus strand), RIF1 (replication timing regulatory factor 1; plus strand). Cytogenetic location: 2q23.3.
Variant type: single nucleotide variant.
Coding change: c.21358A>C on transcript NM_001164508.2 (MANE Select); coding-DNA position 21358, A replaced by C.
Protein change: p.Asn7120His; replaces asparagine 7120 with histidine.
Molecular consequence: missense variant. On other transcripts: intron variant (2).
Genome position (GRCh38, 1-based): chr2:151,533,501, T>G on the plus strand (A>C on the coding strand, the complement: NEB is on the minus strand). VCF-style: chr2-151533501-T-G. GRCh37 (hg19) VCF-style: chr2-152390015-T-G.
Other names: c.21463A>C, p.Asn7155His (NM_001271208.2); c.16314+714A>C (NM_004543.5); c.21417+714A>C (NM_001164507.2); short protein forms N7120H, N7155H.
Identifiers: ClinVar variation 1806492 (VCV001806492.3), dbSNP rs1425532756, ClinGen allele CA348771643.